The following is an entry in ClinVar:

NM_001943.5(DSG2):c.3283C>A (p.His1095Asn)

Genes: DSG2 (desmoglein 2; plus strand), DSG2-AS1 (DSG2 antisense RNA 1; minus strand). Cytogenetic location: 18q12.1.
Variant type: single nucleotide variant.
Coding change: c.3283C>A on transcript NM_001943.5 (MANE Select); coding-DNA position 3283, C replaced by A.
Protein change: p.His1095Asn; replaces histidine 1095 with asparagine.
Molecular consequence: missense variant.
Genome position (GRCh38, 1-based): chr18:31,546,669, C>A. VCF-style: chr18-31546669-C-A. GRCh37 (hg19) VCF-style: chr18-29126632-C-A.
Other names: c.3283C>A (NM_001943.4); short protein forms H1095N.
Identifiers: ClinVar variation 1003548 (VCV001003548.9), dbSNP rs140193292, ClinGen allele CA048258.

ClinVar aggregate classification (germline): Conflicting classifications of pathogenicity. Review status: criteria provided, conflicting classifications (1 of 4 stars). 4 submissions from 4 submitters: Uncertain significance (1); Likely benign (3). Last evaluated 2026-03-27.

Conditions:
Cardiovascular phenotype. Identifiers: MedGen CN230736.
Arrhythmogenic right ventricular dysplasia 10. Also called: Arrhythmogenic Right Ventricular Dysplasia/Cardiomyopathy10; Arrhythmogenic right ventricular dysplasia/cardiomyopathy, type 10; ARRHYTHMOGENIC RIGHT VENTRICULAR DYSPLASIA, FAMILIAL, 10. Identifiers: MedGen C1857777, MONDO:0012434, OMIM 610193.
Dilated cardiomyopathy 1BB (CMD1BB). Also called: CARDIOMYOPATHY, DILATED, 1BB, SUSCEPTIBILITY TO. Identifiers: Orphanet 154, MedGen C2752072, MONDO:0013030, OMIM 612877.

Allele frequency attached by ClinVar (database versions not stated): TOPMed 0.00014; ExAC 0.00008; gnomAD 0.00012; ESP Exome Variant Server 0.00024; 1000 Genomes Project 0.00040; 1000 Genomes Project 30x 0.00047.
gnomAD v4.1: 31 of 1,614,142 alleles (0.0019%); highest among the groups gnomAD compares: African/African-American, 0.036%; no homozygotes.

Submissions (4):

Molecular Diagnostic Laboratory for Inherited Cardiovascular Disease, Montreal Heart Institute
Classification: Likely benign. Last evaluated: 2026-03-27. Review status: criteria provided, single submitter. Criteria: ACMG Guidelines, 2015. Collection method: clinical testing. Allele origin: germline. Affected: no.
Comment: BS1;BP4

Labcorp Genetics (formerly Invitae), Labcorp
Classification: Likely benign for Arrhythmogenic right ventricular dysplasia 10. Last evaluated: 2025-12-14. Review status: criteria provided, single submitter. Criteria: Invitae Variant Classification Sherloc (09022015). Collection method: clinical testing. Allele origin: germline.

Ambry Genetics
Classification: Likely benign for Cardiovascular phenotype. Last evaluated: 2022-03-31. Review status: criteria provided, single submitter. Criteria: Ambry Variant Classification Scheme 2023. Collection method: clinical testing. Allele origin: germline.

Fulgent Genetics
Classification: Uncertain significance for Arrhythmogenic right ventricular dysplasia 10; Dilated cardiomyopathy 1BB. Last evaluated: 2021-10-04. Review status: criteria provided, single submitter. Criteria: ACMG Guidelines, 2015. Collection method: clinical testing. Allele origin: unknown.